The following is an entry in ClinVar:

ClinVar aggregate classification (germline): Uncertain significance. Review status: criteria provided, multiple submitters, no conflicts (2 of 4 stars). 2 submissions from 2 submitters: Uncertain significance (2). Last evaluated 2025-09-30.

Conditions:
Hereditary cancer-predisposing syndrome. Also called: Tumor predisposition; Hereditary Cancer Syndrome; Hereditary neoplastic syndrome; Neoplastic Syndromes, Hereditary. Identifiers: Orphanet 140162, MedGen C0027672, MeSH D009386, MONDO:0015356.
POLD1-related polyposis and colorectal cancer syndrome (CRCS10). Also called: Colorectal cancer 10; COLORECTAL CANCER, SUSCEPTIBILITY TO, ON CHROMOSOME 19q; Colorectal cancer, susceptibility to, 10. Identifiers: Orphanet 220460, MedGen C2675481, MONDO:0012953, OMIM 612591.

Allele frequency attached by ClinVar (database versions not stated): gnomAD exomes below 0.00001.
gnomAD v4.1: 1 of 1,590,826 alleles (0.000063%); highest among the groups gnomAD compares: Admixed American, 0.0018%; no homozygotes.

Submissions (2):

Labcorp Genetics (formerly Invitae), Labcorp
Classification: Uncertain significance for POLD1-related polyposis and colorectal cancer syndrome. Last evaluated: 2025-09-30. Review status: criteria provided, single submitter. Criteria: Invitae Variant Classification Sherloc (09022015). Collection method: clinical testing. Allele origin: germline.
Comment: This sequence change replaces proline, which is neutral and non-polar, with leucine, which is neutral and non-polar, at codon 31 of the POLD1 protein (p.Pro31Leu). This variant is not present in population databases (gnomAD no frequency). This variant has not been reported in the literature in individuals affected with POLD1-related conditions. ClinVar contains an entry for this variant (Variation ID: 840921). An algorithm developed to predict the effect of missense changes on protein structure and function (PolyPhen-2) suggests that this variant is likely to be disruptive. In summary, the available evidence is currently insufficient to determine the role of this variant in disease. Therefore, it has been classified as a Variant of Uncertain Significance.

Ambry Genetics
Classification: Uncertain significance for Hereditary cancer-predisposing syndrome. Last evaluated: 2025-05-20. Review status: criteria provided, single submitter. Criteria: Ambry Variant Classification Scheme 2023. Collection method: clinical testing. Allele origin: germline.
Comment: The p.P31L variant (also known as c.92C>T), located in coding exon 1 of the POLD1 gene, results from a C to T substitution at nucleotide position 92. The proline at codon 31 is replaced by leucine, an amino acid with similar properties. This amino acid position is conserved. In addition, this alteration is predicted to be tolerated by in silico analysis. Since supporting evidence is limited at this time, the clinical significance of this alteration remains unclear.

NM_002691.4(POLD1):c.92C>T (p.Pro31Leu)

Gene: POLD1 (DNA polymerase delta 1, catalytic subunit; plus strand). Cytogenetic location: 19q13.33.
Variant type: single nucleotide variant.
Coding change: c.92C>T on transcript NM_002691.4 (MANE Select); coding-DNA position 92, C replaced by T.
Protein change: p.Pro31Leu; replaces proline 31 with leucine.
Molecular consequence: missense variant. On other transcripts: non-coding transcript variant (1).
Genome position (GRCh38, 1-based): chr19:50,398,943, C>T. VCF-style: chr19-50398943-C-T. GRCh37 (hg19) VCF-style: chr19-50902200-C-T.
Other names: c.92C>T, p.Pro31Leu (NM_001256849.1, NM_001308632.1); short protein forms P31L.
Identifiers: ClinVar variation 840921 (VCV000840921.13), dbSNP rs2038475705, ClinGen allele CA406970121.
Genomic context (GRCh38, chr19:50,398,943, plus strand): 5'-CCGGGGTGCCCCCAAAGCGGGCCCGTGGGGGCCTCTGGGATGATGATGATGCACCTCGGC[C>T]ATCCCAATTCGAGGAGGACCTGGCACTGATGGAGGAGATGGAGGCAGAACACAGGCTGCA-3'
Protein context (NP_002682.2, residues 21-41): GLWDDDDAPR[Pro31Leu]SQFEEDLALM